The following is an entry in ClinVar:

NM_144687.4(NLRP12):c.206C>T (p.Ala69Val)

Gene: NLRP12 (NLR family pyrin domain containing 12; minus strand). Cytogenetic location: 19q13.42.
Variant type: single nucleotide variant.
Coding change: c.206C>T on transcript NM_144687.4 (MANE Select); coding-DNA position 206, C replaced by T.
Protein change: p.Ala69Val; replaces alanine 69 with valine.
Molecular consequence: missense variant.
Genome position (GRCh38, 1-based): chr19:53,823,969, G>A on the plus strand (C>T on the coding strand, the complement: NLRP12 is on the minus strand). VCF-style: chr19-53823969-G-A. GRCh37 (hg19) VCF-style: chr19-54327223-G-A.
Other names: c.206C>T, p.Ala69Val (NM_001277126.2, NM_001277129.1); short protein forms A69V.
Identifiers: ClinVar variation 1007165 (VCV001007165.12), dbSNP rs372898890, ClinGen allele CA9639813.

ClinVar aggregate classification (germline): Uncertain significance. Review status: criteria provided, multiple submitters, no conflicts (2 of 4 stars). 2 submissions from 2 submitters: Uncertain significance (2). Last evaluated 2026-01-01.

Conditions:
Familial cold autoinflammatory syndrome 2 (FCAS2). Identifiers: Orphanet 247868, MedGen C2673198, MONDO:0012724, OMIM 611762.

Allele frequency attached by ClinVar (database versions not stated): gnomAD exomes 0.00001 and 0.00002; ExAC 0.00002; TOPMed 0.00002; gnomAD 0.00003; ESP Exome Variant Server 0.00008.
gnomAD v4.1: 23 of 1,613,998 alleles (0.0014%); highest among the groups gnomAD compares: Non-Finnish European, 0.0019%; no homozygotes.

Submissions (2):

CeGaT Center for Human Genetics Tuebingen
Classification: Uncertain significance. Last evaluated: 2026-01-01. Review status: criteria provided, single submitter. Criteria: CeGaT Center For Human Genetics Tuebingen Variant Classification Criteria Version 2. Collection method: clinical testing. Allele origin: germline. Affected: yes. Observed: 1 variant allele.
Comment: NLRP12: PM2, BP4

Labcorp Genetics (formerly Invitae), Labcorp
Classification: Uncertain significance for Familial cold autoinflammatory syndrome 2. Last evaluated: 2025-01-13. Review status: criteria provided, single submitter. Criteria: Invitae Variant Classification Sherloc (09022015). Collection method: clinical testing. Allele origin: germline.
Comment: This sequence change replaces alanine, which is neutral and non-polar, with valine, which is neutral and non-polar, at codon 69 of the NLRP12 protein (p.Ala69Val). This variant is present in population databases (rs372898890, gnomAD 0.004%). This variant has not been reported in the literature in individuals affected with NLRP12-related conditions. ClinVar contains an entry for this variant (Variation ID: 1007165). Invitae Evidence Modeling of protein sequence and biophysical properties (such as structural, functional, and spatial information, amino acid conservation, physicochemical variation, residue mobility, and thermodynamic stability) indicates that this missense variant is not expected to disrupt NLRP12 protein function with a negative predictive value of 80%. In summary, the available evidence is currently insufficient to determine the role of this variant in disease. Therefore, it has been classified as a Variant of Uncertain Significance.